The following is an entry in ClinVar:

NM_006118.4(HAX1):c.280G>T (p.Asp94Tyr)

Gene: HAX1 (HCLS1 associated protein X-1; plus strand). Cytogenetic location: 1q21.3.
Variant type: single nucleotide variant.
Coding change: c.280G>T on transcript NM_006118.4 (MANE Select); coding-DNA position 280, G replaced by T.
Protein change: p.Asp94Tyr; replaces aspartic acid 94 with tyrosine.
Molecular consequence: missense variant.
Genome position (GRCh38, 1-based): chr1:154,273,562, G>T. VCF-style: chr1-154273562-G-T. GRCh37 (hg19) VCF-style: chr1-154246038-G-T.
Other names: c.136G>T, p.Asp46Tyr (NM_001018837.2); short protein forms D94Y, D46Y.
Identifiers: ClinVar variation 4621333 (VCV004621333.1).
Genomic context (GRCh38, chr1:154,273,562, plus strand): 5'-CGTTTCCACGATAACTTCGGCTTTGATGACCTAGTACGAGATTTCAATAGCATCTTCAGC[G>T]ATATGGGGGCCTGGACCTTGCCTTCCCATCCTCCTGGTGTGTGGCTTTCCCTAAGGGGCA-3'
Protein context (NP_006109.2, residues 84-104): LVRDFNSIFS[Asp94Tyr]MGAWTLPSHP

ClinVar aggregate classification (germline): Uncertain significance (1 of 4 stars; one submission).

Conditions:
Inborn genetic diseases. Identifiers: MedGen C0950123, MeSH D030342.

gnomAD v4.1: 6 of 1,614,176 alleles (0.00037%); highest among the groups gnomAD compares: East Asian, 0.0089%; no homozygotes.

Submission:

Ambry Genetics
Classification: Uncertain significance for Inborn genetic diseases. Last evaluated: 2025-10-13. Review status: criteria provided, single submitter. Criteria: Ambry Variant Classification Scheme 2023. Collection method: clinical testing. Allele origin: germline.
Comment: The p.D94Y variant (also known as c.280G>T), located in coding exon 2 of the HAX1 gene, results from a G to T substitution at nucleotide position 280. The aspartic acid at codon 94 is replaced by tyrosine, an amino acid with highly dissimilar properties. This amino acid position is conserved. In addition, this alteration is predicted to be tolerated by in silico analysis. Based on the available evidence, the clinical significance of this variant remains unclear.